The following is an entry in ClinVar:

NM_006231.4(POLE):c.4369G>T (p.Gly1457Cys)

Gene: POLE (DNA polymerase epsilon, catalytic subunit; minus strand). Cytogenetic location: 12q24.33.
Variant type: single nucleotide variant.
Coding change: c.4369G>T on transcript NM_006231.4 (MANE Select); coding-DNA position 4369, G replaced by T.
Protein change: p.Gly1457Cys; replaces glycine 1457 with cysteine.
Molecular consequence: missense variant.
Genome position (GRCh38, 1-based): chr12:132,643,482, C>A on the plus strand (G>T on the coding strand, the complement: POLE is on the minus strand). VCF-style: chr12-132643482-C-A. GRCh37 (hg19) VCF-style: chr12-133220068-C-A.
Other names: short protein forms G1457C.
Identifiers: ClinVar variation 3781591 (VCV003781591.1).

ClinVar aggregate classification (germline): Uncertain significance (1 of 4 stars; one submission).

Conditions:
Hereditary cancer-predisposing syndrome. Also called: Neoplastic Syndromes, Hereditary; Hereditary Cancer Syndrome; Tumor predisposition; Hereditary neoplastic syndrome. Identifiers: Orphanet 140162, MedGen C0027672, MeSH D009386, MONDO:0015356.

Submission:

Ambry Genetics
Classification: Uncertain significance for Hereditary cancer-predisposing syndrome. Last evaluated: 2025-02-16. Review status: criteria provided, single submitter. Criteria: Ambry Variant Classification Scheme 2023. Collection method: clinical testing. Allele origin: germline.
Comment: The p.G1457C variant (also known as c.4369G>T), located in coding exon 34 of the POLE gene, results from a G to T substitution at nucleotide position 4369. The glycine at codon 1457 is replaced by cysteine, an amino acid with highly dissimilar properties. This amino acid position is conserved. In addition, the in silico prediction for this alteration is inconclusive. Based on the available evidence, the clinical significance of this variant remains unclear.